The following is an entry in ClinVar:

NM_003036.4(SKI):c.318A>T (p.Glu106Asp)

Gene: SKI (SKI proto-oncogene; plus strand). Cytogenetic location: 1p36.33.
Variant type: single nucleotide variant.
Coding change: c.318A>T on transcript NM_003036.4 (MANE Select); coding-DNA position 318, A replaced by T.
Protein change: p.Glu106Asp; replaces glutamic acid 106 with aspartic acid.
Molecular consequence: missense variant.
Genome position (GRCh38, 1-based): chr1:2,229,084, A>T. VCF-style: chr1-2229084-A-T. GRCh37 (hg19) VCF-style: chr1-2160523-A-T.
Other names: short protein forms E106D.
Identifiers: ClinVar variation 1728627 (VCV001728627.2), dbSNP rs564817940, ClinGen allele CA536368.

ClinVar aggregate classification (germline): Uncertain significance (1 of 4 stars; one submission).

Conditions:
Familial thoracic aortic aneurysm and aortic dissection (TAAD). Also called: Thoracic aortic aneurysms and dissections. Identifiers: Orphanet 91387, MedGen C4707243, MONDO:0019625.

Allele frequency attached by ClinVar (database versions not stated): TOPMed 0.00001; ExAC 0.00002; gnomAD 0.00003; 1000 Genomes Project 0.00040; 1000 Genomes Project 30x 0.00062.

Submission:

Ambry Genetics
Classification: Uncertain significance for Familial thoracic aortic aneurysm and aortic dissection. Last evaluated: 2021-09-30. Review status: criteria provided, single submitter. Criteria: Ambry Variant Classification Scheme 2023. Collection method: clinical testing. Allele origin: germline.
Comment: The p.E106D variant (also known as c.318A>T), located in coding exon 1 of the SKI gene, results from an A to T substitution at nucleotide position 318. The glutamic acid at codon 106 is replaced by aspartic acid, an amino acid with highly similar properties. This amino acid position is conserved. In addition, the in silico prediction for this alteration is inconclusive. Since supporting evidence is limited at this time, the clinical significance of this alteration remains unclear.